The following is an entry in ClinVar:

NM_000548.5(TSC2):c.5348A>C (p.Glu1783Ala)

Gene: TSC2 (TSC complex subunit 2; plus strand). Cytogenetic location: 16p13.3.
Variant type: single nucleotide variant.
Coding change: c.5348A>C on transcript NM_000548.5 (MANE Select); coding-DNA position 5348, A replaced by C.
Protein change: p.Glu1783Ala; replaces glutamic acid 1783 with alanine.
Molecular consequence: missense variant. On other transcripts: non-coding transcript variant (5).
Genome position (GRCh38, 1-based): chr16:2,088,534, A>C. VCF-style: chr16-2088534-A-C. GRCh37 (hg19) VCF-style: chr16-2138535-A-C.
Other names: c.5147A>C, p.Glu1716Ala (NM_001077183.3); c.5279A>C, p.Glu1760Ala (NM_001114382.3); c.5039A>C, p.Glu1680Ala (NM_001318827.2); c.5003A>C, p.Glu1668Ala (NM_001318829.2); c.4616A>C, p.Glu1539Ala (NM_001318831.2); c.5180A>C, p.Glu1727Ala (NM_001318832.2); c.5150A>C, p.Glu1717Ala (NM_001363528.2); c.5216A>C, p.Glu1739Ala (NM_001370404.1); and 27 more; short protein forms E1268A, E1292A, E1563A, E1583A, E1679A, E1711A, E1727A, E1182A.
Identifiers: ClinVar variation 2560704 (VCV002560704.2), dbSNP rs1555441444, ClinGen allele CA394315721.

ClinVar aggregate classification (germline): Uncertain significance (1 of 4 stars; one submission).

Conditions:
Hereditary cancer-predisposing syndrome. Also called: Neoplastic Syndromes, Hereditary; Hereditary Cancer Syndrome; Hereditary neoplastic syndrome; Tumor predisposition. Identifiers: Orphanet 140162, MedGen C0027672, MeSH D009386, MONDO:0015356.

Submission:

Ambry Genetics
Classification: Uncertain significance for Hereditary cancer-predisposing syndrome. Last evaluated: 2023-04-18. Review status: criteria provided, single submitter. Criteria: Ambry Variant Classification Scheme 2023. Collection method: clinical testing. Allele origin: germline.
Comment: The p.E1783A variant (also known as c.5348A>C), located in coding exon 41 of the TSC2 gene, results from an A to C substitution at nucleotide position 5348. The glutamic acid at codon 1783 is replaced by alanine, an amino acid with dissimilar properties. This amino acid position is conserved. In addition, the in silico prediction for this alteration is inconclusive. Since supporting evidence is limited at this time, the clinical significance of this alteration remains unclear.